The following is an entry in ClinVar:

ClinVar aggregate classification (germline): Pathogenic (1 of 4 stars; one submission).

Submission:

Labcorp Genetics (formerly Invitae), Labcorp
Classification: Pathogenic. Last evaluated: 2023-03-09. Review status: criteria provided, single submitter. Criteria: Invitae Variant Classification Sherloc (09022015). Collection method: clinical testing. Allele origin: unknown.
Comment: For these reasons, this variant has been classified as Pathogenic. This variant disrupts the p.Arg2580 amino acid residue in COL7A1. Other variant(s) that disrupt this residue have been determined to be pathogenic (PMID: 31001817, 35979658; Invitae). This suggests that this residue is clinically significant, and that variants that disrupt this residue are likely to be disease-causing. This variant disrupts the triple helix domain of COL7A1. Glycine residues within the Gly-Xaa-Yaa repeats of the triple helix domain are required for the structure and stability of fibrillar collagens (PMID: 7695699, 8218237, 19344236), and variants at these glycine residues in COL7A1 are more frequently observed in individuals with disease than in the general population (PMID: 22058051). However, the clinical significance of this observation remains uncertain since only a limited number of affected individuals have been described to date. This variant has not been reported in the literature in individuals affected with COL7A1-related conditions. This variant is a gross deletion of the genomic region encompassing exon(s) 100-104 of the COL7A1 gene. This variant would be expected to be in-frame, preserving the integrity of the reading frame.

Literature cited by the submitters: PubMed 31001817; PubMed 35979658; PubMed 7695699; PubMed 8218237; PubMed 19344236; PubMed 22058051.

NC_000003.11:g.(?_48605912)_(48607213_?)del

Gene: COL7A1 (collagen type VII alpha 1 chain; minus strand). Cytogenetic location: 3p21.31.
Variant type: Deletion.
Identifiers: ClinVar variation 3246951 (VCV003246951.1).